The following is an entry in ClinVar:

NM_007294.4(BRCA1):c.5554_5558del (p.Thr1852fs)

Gene: BRCA1 (BRCA1 DNA repair associated; minus strand). Cytogenetic location: 17q21.31.
Variant type: Deletion.
Coding change: c.5554_5558del on transcript NM_007294.4 (MANE Select); coding-DNA positions 5554 to 5558, 5 bases deleted (ACCTA; older notation c.5554_5558delACCTA).
Protein change: p.Thr1852fs; shifts the reading frame from threonine 1852.
Molecular consequence: frameshift variant. On other transcripts: 3 prime UTR variant (1), non-coding transcript variant (1).
Genome position (GRCh38, 1-based): chr17:43,045,712-43,045,716, TAGGT deleted on the plus strand (ACCTA on the coding strand, the reverse complement: BRCA1 is on the minus strand). VCF-style (leftmost placement, unchanged base first): chr17-43045711-GTAGGT-G. GRCh37 (hg19) VCF-style: chr17-41197728-GTAGGT-G.
Other names: c.5413_5417delACCTA, p.Thr1805Profs (NM_001407695.1, NM_001407696.1, NM_001407697.1 and 11 more transcripts); c.2101_2105delACCTA, p.Thr701Profs (NM_001408465.1, NM_001408463.1, NM_001408466.1 and 7 more transcripts); c.5614_5618delACCTA, p.Thr1872Profs (NM_001407591.1, NM_001407590.1); c.5554_5558delACCTA, p.Thr1852Profs (NM_001407593.1, NM_001407594.1, NM_001407596.1 and 5 more transcripts); c.5551_5555delACCTA, p.Thr1851Profs (NM_001407610.1, NM_001407611.1, NM_001407612.1 and 14 more transcripts); c.5548_5552delACCTA, p.Thr1850Profs (NM_001407627.1, NM_001407628.1, NM_001407629.1 and 13 more transcripts); c.5545_5549delACCTA, p.Thr1849Profs (NM_001407644.1, NM_001407645.1); c.5542_5546delACCTA, p.Thr1848Profs (NM_001407646.1); and 77 more; short protein forms T1852fs, T1805fs, T1873fs, T748fs.
Identifiers: ClinVar variation 825825 (VCV000825825.6), dbSNP rs1597796682, ClinGen allele CA915950024.

ClinVar aggregate classification (germline): Pathogenic (1 of 4 stars; one submission).

Conditions:
Hereditary cancer-predisposing syndrome. Also called: Neoplastic Syndromes, Hereditary; Tumor predisposition; Hereditary neoplastic syndrome; Hereditary Cancer Syndrome. Identifiers: Orphanet 140162, MedGen C0027672, MeSH D009386, MONDO:0015356.

Submission:

Ambry Genetics
Classification: Pathogenic for Hereditary cancer-predisposing syndrome. Last evaluated: 2023-01-30. Review status: criteria provided, single submitter. Criteria: Ambry Variant Classification Scheme 2023. Collection method: clinical testing. Allele origin: germline.
Comment: The c.5554_5558delACCTA pathogenic mutation, located in coding exon 22 of the BRCA1 gene, results from a deletion of 5 nucleotides at nucleotide positions 5554 to 5558, causing a translational frameshift with a predicted alternate stop codon (p.T1852Pfs*26). This alteration occurs at the 3' terminus of the BRCA1 gene, is not expected to trigger nonsense-mediated mRNA decay, and results in the elongation of the protein by 13 amino acids. This frameshift impacts the last 12 amino acids of the native protein. However, frameshifts are typically deleterious in nature, and the impacted region is critical for protein function (Ambry internal data). This variant was non-functional in an assay of transcriptional activation activity (Ambry internal data). This variant is considered to be rare based on population cohorts in the Genome Aggregation Database (gnomAD). Based on the supporting evidence, this alteration is interpreted as a disease-causing mutation.